The following is an entry in ClinVar:

NM_182961.4(SYNE1):c.976T>C (p.Trp326Arg)

Gene: SYNE1 (spectrin repeat containing nuclear envelope protein 1; minus strand). Cytogenetic location: 6q25.2.
Variant type: single nucleotide variant.
Coding change: c.976T>C on transcript NM_182961.4 (MANE Select); coding-DNA position 976, T replaced by C.
Protein change: p.Trp326Arg; replaces tryptophan 326 with arginine.
Molecular consequence: missense variant.
Genome position (GRCh38, 1-based): chr6:152,488,467, A>G on the plus strand (T>C on the coding strand, the complement: SYNE1 is on the minus strand). VCF-style: chr6-152488467-A-G. GRCh37 (hg19) VCF-style: chr6-152809602-A-G.
Other names: c.997T>C, p.Trp333Arg (NM_033071.5); c.976T>C (NM_182961.2); short protein forms W326R, W333R.
Identifiers: ClinVar variation 194125 (VCV000194125.14), dbSNP rs146668256, ClinGen allele CA239951.

ClinVar aggregate classification (germline): Conflicting classifications of pathogenicity. Review status: criteria provided, conflicting classifications (1 of 4 stars). 4 submissions from 4 submitters: Uncertain significance (3); Likely benign (1). Last evaluated 2026-01-07.

Conditions:
Autosomal recessive ataxia, Beauce type. Also called: SYNE1 Deficiency; Spinocerebellar ataxia, autosomal recessive 8; SYNE1-Related Autosomal Recessive Cerebellar Ataxia; ATAXIA, RECESSIVE, OF BEAUCE. Identifiers: Orphanet 88644, MedGen C1853116, MONDO:0012549, OMIM 610743.
Emery-Dreifuss muscular dystrophy 4, autosomal dominant (EDMD4). Also called: EMERY-DREIFUSS MUSCULAR DYSTROPHY 4 WITH VARIABLE FEATURES. Identifiers: Orphanet 261, MedGen C2751807, MONDO:0013071, OMIM 612998.

Allele frequency attached by ClinVar (database versions not stated): gnomAD exomes 0.00003 and 0.00008; ExAC 0.00009; 1000 Genomes Project 30x 0.00016; 1000 Genomes Project 0.00020; gnomAD 0.00044 and 0.00046; TOPMed 0.00045; ESP Exome Variant Server 0.00046.
gnomAD v4.1: 108 of 1,607,822 alleles (0.0067%); highest among the groups gnomAD compares: African/African-American, 0.12%; 1 homozygote.

Submissions (4):

Labcorp Genetics (formerly Invitae), Labcorp
Classification: Uncertain significance for Emery-Dreifuss muscular dystrophy 4, autosomal dominant; Autosomal recessive ataxia, Beauce type. Last evaluated: 2026-01-07. Review status: criteria provided, single submitter. Criteria: Invitae Variant Classification Sherloc (09022015). Collection method: clinical testing. Allele origin: germline.
Comment: This sequence change replaces tryptophan, which is neutral and slightly polar, with arginine, which is basic and polar, at codon 333 of the SYNE1 protein (p.Trp333Arg). This variant is present in population databases (rs146668256, gnomAD 0.1%). This variant has not been reported in the literature in individuals affected with SYNE1-related conditions. ClinVar contains an entry for this variant (Variation ID: 194125). An algorithm developed to predict the effect of missense changes on protein structure and function (PolyPhen-2) suggests that this variant is likely to be disruptive. In summary, the available evidence is currently insufficient to determine the role of this variant in disease. Therefore, it has been classified as a Variant of Uncertain Significance.

Revvity Omics, Revvity
Classification: Uncertain significance. Last evaluated: 2025-03-11. Review status: criteria provided, single submitter. Criteria: ACMG Guidelines, 2015. Collection method: clinical testing. Allele origin: germline.

Athena Diagnostics
Classification: Likely benign. Last evaluated: 2024-06-11. Review status: criteria provided, single submitter. Criteria: Athena Diagnostics Criteria. Collection method: clinical testing. Allele origin: unknown.

Eurofins Ntd Llc (ga)
Classification: Uncertain significance. Last evaluated: 2014-11-26. Review status: criteria provided, single submitter. Criteria: EGL Classification Definitions 2015. Collection method: clinical testing. Allele origin: germline. Observed: 1 variant allele, 1 heterozygote.

Literature cited by the submitters: PubMed 32019516 (cited by Athena Diagnostics); PubMed 27302369 (cited by Athena Diagnostics).